The following is an entry in ClinVar:

NM_001110556.2(FLNA):c.3362C>T (p.Thr1121Ile)

Gene: FLNA (filamin A; minus strand). Cytogenetic location: Xq28.
Variant type: single nucleotide variant.
Coding change: c.3362C>T on transcript NM_001110556.2 (MANE Select); coding-DNA position 3362, C replaced by T.
Protein change: p.Thr1121Ile; replaces threonine 1121 with isoleucine.
Molecular consequence: missense variant.
Genome position (GRCh38, 1-based): chrX:154,360,433, G>A on the plus strand (C>T on the coding strand, the complement: FLNA is on the minus strand). VCF-style: chrX-154360433-G-A. GRCh37 (hg19) VCF-style: chrX-153588801-G-A.
Other names: c.3362C>T, p.Thr1121Ile (NM_001456.4); short protein forms T1121I.
Identifiers: ClinVar variation 1471510 (VCV001471510.8), dbSNP rs2067696805, ClinGen allele CA415228228.

ClinVar aggregate classification (germline): Uncertain significance (1 of 4 stars; one submission).

Conditions:
Oto-palato-digital syndrome, type II (OPD2). Also called: FACIOPALATOOSSEOUS SYNDROME; OPD II SYNDROME; Otopalatodigital Syndrome, Type II; Otopalatodigital Syndrome Type 2 (FLNA-OPD2). Identifiers: Orphanet 669, Orphanet 90652, MedGen C1844696, MONDO:0010571, OMIM 304120.
Heterotopia, periventricular, X-linked dominant (PVNH1). Also called: PERIVENTRICULAR NODULAR HETEROTOPIA 4; HETEROTOPIA, PERIVENTRICULAR, 1; PERIVENTRICULAR NODULAR HETEROTOPIA 1; X-linked periventricular heterotopia. Identifiers: Orphanet 2149, Orphanet 82004, MedGen C1848213, MONDO:0010233, OMIM 300049.
Melnick-Needles syndrome (MNS). Also called: MELNICK-NEEDLES OSTEODYSPLASTY; OSTEODYSPLASTY OF MELNICK AND NEEDLES; Melnick-Needles Syndrome (FLNA-MNS). Identifiers: Orphanet 2484, MedGen C0025237, MONDO:0010650, OMIM 309350.
Frontometaphyseal dysplasia (FMD1). Identifiers: Orphanet 1826, MedGen C0265293, MONDO:0015942.

Submission:

Labcorp Genetics (formerly Invitae), Labcorp
Classification: Uncertain significance for Oto-palato-digital syndrome, type II; Heterotopia, periventricular, X-linked dominant; Frontometaphyseal dysplasia; Melnick-Needles syndrome. Last evaluated: 2022-07-19. Review status: criteria provided, single submitter. Criteria: Invitae Variant Classification Sherloc (09022015). Collection method: clinical testing. Allele origin: germline.
Comment: This variant is not present in population databases (gnomAD no frequency). In summary, the available evidence is currently insufficient to determine the role of this variant in disease. Therefore, it has been classified as a Variant of Uncertain Significance. Advanced modeling of protein sequence and biophysical properties (such as structural, functional, and spatial information, amino acid conservation, physicochemical variation, residue mobility, and thermodynamic stability) performed at Invitae indicates that this missense variant is not expected to disrupt FLNA protein function. ClinVar contains an entry for this variant (Variation ID: 1471510). This variant has not been reported in the literature in individuals affected with FLNA-related conditions. This sequence change replaces threonine, which is neutral and polar, with isoleucine, which is neutral and non-polar, at codon 1121 of the FLNA protein (p.Thr1121Ile).